The following is an entry in ClinVar:

NM_001174089.2(SLC4A11):c.379G>T (p.Glu127Ter)

Gene: SLC4A11 (solute carrier family 4 member 11; minus strand). Cytogenetic location: 20p13.
Variant type: single nucleotide variant.
Coding change: c.379G>T on transcript NM_001174089.2 (MANE Select); coding-DNA position 379, G replaced by T.
Protein change: p.Glu127Ter; replaces glutamic acid 127 with a stop codon.
Molecular consequence: nonsense. On other transcripts: non-coding transcript variant (3).
Genome position (GRCh38, 1-based): chr20:3,234,227, C>A on the plus strand (G>T on the coding strand, the complement: SLC4A11 is on the minus strand). VCF-style: chr20-3234227-C-A. GRCh37 (hg19) VCF-style: chr20-3214873-C-A.
Other names: c.427G>T (NM_032034.3); c.508G>T, p.Glu170Ter (NM_001174090.2, NM_001400280.1); c.379G>T, p.Glu127Ter (NM_001363745.2); c.322G>T, p.Glu108Ter (NM_001400277.1, NM_001400278.1, NM_001400279.1); c.427G>T, p.Glu143Ter (NM_032034.4); short protein forms E108*, E127*, E143*, E170*.
Identifiers: ClinVar variation 2858768 (VCV002858768.4), dbSNP rs1482631297, ClinGen allele CA408093953.

ClinVar aggregate classification (germline): Pathogenic/Likely pathogenic. Review status: criteria provided, multiple submitters, no conflicts (2 of 4 stars). 2 submissions from 2 submitters: Pathogenic (1); Likely pathogenic (1). Last evaluated 2025-07-16.

Conditions:
Corneal dystrophy-perceptive deafness syndrome (CDPD). Also called: CORNEAL DYSTROPHY AND SENSORINEURAL DEAFNESS; HARBOYAN SYNDROME. Identifiers: Orphanet 1490, MedGen C1857572, MONDO:0009015, OMIM 217400.

Allele frequency attached by ClinVar (database versions not stated): TOPMed below 0.00001.

Submissions (2):

Natera, Inc.
Classification: Likely pathogenic for Corneal dystrophy-perceptive deafness syndrome. Last evaluated: 2025-07-16. Review status: criteria provided, single submitter. Criteria: Natera Variant Classification Schema (03/2026). Collection method: clinical testing. Allele origin: germline.
Comment: The c.427G>T variant in SLC4A11 is a nonsense variant predicted to introduce a stop codon at amino acid 143. This variant is expected to result in nonsense mediated decay, truncation, or a dysfunctional protein product. This variant is rare in the general population with a frequency below the threshold expected for the associated phenotype(s). Given the available evidence, this variant is classified as Likely Pathogenic.

Labcorp Genetics (formerly Invitae), Labcorp
Classification: Pathogenic. Last evaluated: 2023-04-24. Review status: criteria provided, single submitter. Criteria: Invitae Variant Classification Sherloc (09022015). Collection method: clinical testing. Allele origin: germline.
Comment: For these reasons, this variant has been classified as Pathogenic. This variant has not been reported in the literature in individuals affected with SLC4A11-related conditions. This variant is present in population databases (no rsID available, gnomAD 0.006%). This sequence change creates a premature translational stop signal (p.Glu143*) in the SLC4A11 gene. It is expected to result in an absent or disrupted protein product. Loss-of-function variants in SLC4A11 are known to be pathogenic (PMID: 17220209, 17679935).

Literature cited by the submitters: PubMed 17220209 (cited by Labcorp Genetics (formerly Invitae), Labcorp); PubMed 17679935 (cited by Labcorp Genetics (formerly Invitae), Labcorp).